The following is an entry in ClinVar:

ClinVar aggregate classification (germline): Uncertain significance (1 of 4 stars; one submission).

Conditions:
Fanconi anemia (FA). Also called: Fanconi's anemia. Identifiers: Orphanet 84, MedGen C0015625, MeSH D005199, MONDO:0019391.

gnomAD v4.1: 1 of 1,613,876 alleles (0.000062%); highest among the groups gnomAD compares: Non-Finnish European, 0.000085%; no homozygotes.

Submission:

Labcorp Genetics (formerly Invitae), Labcorp
Classification: Uncertain significance for Fanconi anemia. Last evaluated: 2025-12-24. Review status: criteria provided, single submitter. Criteria: Invitae Variant Classification Sherloc (09022015). Collection method: clinical testing. Allele origin: germline.
Comment: This sequence change replaces serine, which is neutral and polar, with cysteine, which is neutral and slightly polar, at codon 272 of the FANCD2 protein (p.Ser272Cys). This variant is not present in population databases (gnomAD no frequency). This variant has not been reported in the literature in individuals affected with FANCD2-related conditions. Invitae Evidence Modeling of protein sequence and biophysical properties (such as structural, functional, and spatial information, amino acid conservation, physicochemical variation, residue mobility, and thermodynamic stability) indicates that this missense variant is expected to disrupt FANCD2 protein function with a positive predictive value of 80%. In summary, the available evidence is currently insufficient to determine the role of this variant in disease. Therefore, it has been classified as a Variant of Uncertain Significance.

NM_001018115.3(FANCD2):c.815C>G (p.Ser272Cys)

Genes: FANCD2 (FA complementation group D2; plus strand), LOC107303338 (3p25 FANCD2 Alu-mediated recombination region; plus strand). Cytogenetic location: 3p25.3.
Variant type: single nucleotide variant.
Coding change: c.815C>G on transcript NM_001018115.3 (MANE Select); coding-DNA position 815, C replaced by G.
Protein change: p.Ser272Cys; replaces serine 272 with cysteine.
Molecular consequence: missense variant.
Genome position (GRCh38, 1-based): chr3:10,042,590, C>G. VCF-style: chr3-10042590-C-G. GRCh37 (hg19) VCF-style: chr3-10084274-C-G.
Other names: c.815C>G, p.Ser272Cys (NM_001319984.2, NM_001374253.1, NM_001374254.1 and 1 more transcripts); short protein forms S272C.
Identifiers: ClinVar variation 4751939 (VCV004751939.1).